The following is an entry in ClinVar:

ClinVar aggregate classification (germline): Uncertain significance (1 of 4 stars; one submission).

Submission:

Labcorp Genetics (formerly Invitae), Labcorp
Classification: Uncertain significance. Last evaluated: 2021-12-03. Review status: criteria provided, single submitter. Criteria: Invitae Variant Classification Sherloc (09022015). Collection method: clinical testing. Allele origin: germline.
Comment: This variant has not been reported in the literature in individuals affected with JAM3-related conditions. In summary, the available evidence is currently insufficient to determine the role of this variant in disease. Therefore, it has been classified as a Variant of Uncertain Significance. Algorithms developed to predict the effect of missense changes on protein structure and function (SIFT, PolyPhen-2, Align-GVGD) all suggest that this variant is likely to be disruptive. This variant is not present in population databases (gnomAD no frequency). This sequence change replaces phenylalanine, which is neutral and non-polar, with serine, which is neutral and polar, at codon 308 of the JAM3 protein (p.Phe308Ser).

NM_032801.5(JAM3):c.923T>C (p.Phe308Ser)

Gene: JAM3 (junctional adhesion molecule 3; plus strand). Cytogenetic location: 11q25.
Variant type: single nucleotide variant.
Coding change: c.923T>C on transcript NM_032801.5 (MANE Select); coding-DNA position 923, T replaced by C.
Protein change: p.Phe308Ser; replaces phenylalanine 308 with serine.
Molecular consequence: missense variant.
Genome position (GRCh38, 1-based): chr11:134,149,171, T>C. VCF-style: chr11-134149171-T-C. GRCh37 (hg19) VCF-style: chr11-134019066-T-C.
Other names: c.770T>C, p.Phe257Ser (NM_001205329.2); short protein forms F308S, F257S.
Identifiers: ClinVar variation 1485596 (VCV001485596.6), dbSNP rs2120393951, ClinGen allele CA383505218.